The following is an entry in ClinVar:

ClinVar aggregate classification (germline): Uncertain significance (1 of 4 stars; one submission).

Conditions:
Cardiovascular phenotype. Identifiers: MedGen CN230736.

Submission:

Ambry Genetics
Classification: Uncertain significance for Cardiovascular phenotype. Last evaluated: 2026-04-12. Review status: criteria provided, single submitter. Criteria: Ambry Variant Classification Scheme 2023. Collection method: clinical testing. Allele origin: germline.
Comment: The p.I1727F variant (also known as c.5179A>T), located in coding exon 36 of the LAMA4 gene, results from an A to T substitution at nucleotide position 5179. The isoleucine at codon 1727 is replaced by phenylalanine, an amino acid with highly similar properties. This amino acid position is conserved. In addition, this alteration is predicted to be deleterious by in silico analysis. Based on the available evidence, the clinical significance of this variant remains unclear.

NM_001105206.3(LAMA4):c.5200A>T (p.Ile1734Phe)

Gene: LAMA4 (laminin subunit alpha 4; minus strand). Cytogenetic location: 6q21.
Variant type: single nucleotide variant.
Coding change: c.5200A>T on transcript NM_001105206.3 (MANE Select); coding-DNA position 5200, A replaced by T.
Protein change: p.Ile1734Phe; replaces isoleucine 1734 with phenylalanine.
Molecular consequence: missense variant.
Genome position (GRCh38, 1-based): chr6:112,114,669, T>A on the plus strand (A>T on the coding strand, the complement: LAMA4 is on the minus strand). VCF-style: chr6-112114669-T-A. GRCh37 (hg19) VCF-style: chr6-112435872-T-A.
Other names: c.5179A>T, p.Ile1727Phe (NM_001105207.3, NM_002290.5); short protein forms I1727F, I1734F.
Identifiers: ClinVar variation 4859090 (VCV004859090.1).